The following is an entry in ClinVar:

NM_006904.7(PRKDC):c.3238C>T (p.Leu1080Phe)

Gene: PRKDC (protein kinase, DNA-activated, catalytic subunit; minus strand). Cytogenetic location: 8q11.21.
Variant type: single nucleotide variant.
Coding change: c.3238C>T on transcript NM_006904.7 (MANE Select); coding-DNA position 3238, C replaced by T.
Protein change: p.Leu1080Phe; replaces leucine 1080 with phenylalanine.
Molecular consequence: missense variant.
Genome position (GRCh38, 1-based): chr8:47,902,600, G>A on the plus strand (C>T on the coding strand, the complement: PRKDC is on the minus strand). VCF-style: chr8-47902600-G-A. GRCh37 (hg19) VCF-style: chr8-48815160-G-A.
Other names: c.3238C>T, p.Leu1080Phe (NM_001081640.2); short protein forms L1080F.
Identifiers: ClinVar variation 2453338 (VCV002453338.2), dbSNP rs2551875542, ClinGen allele CA371156532.
Genomic context (GRCh38, chr8:47,902,600, plus strand): 5'-TTCTCTTCTCTGTTGTGTAGCTTACAAACCTGAATTCCCTGTAGATATTATTAAAGGCAA[G>A]TGATGCTCCCAGCCTCTTGAAAGCATTGGGGTGAAGCGCAAGGCTATAAAGTCGCTTGAA-3'
Protein context (NP_008835.5, residues 1070-1090): PNAFKRLGAS[Leu1080Phe]AFNNIYREFR

ClinVar aggregate classification (germline): Uncertain significance (1 of 4 stars; one submission).

Submission:

Ambry Genetics
Classification: Uncertain significance. Last evaluated: 2023-02-26. Review status: criteria provided, single submitter. Criteria: Ambry Variant Classification Scheme 2023. Collection method: clinical testing. Allele origin: germline.
Comment: The p.L1080F variant (also known as c.3238C>T), located in coding exon 27 of the PRKDC gene, results from a C to T substitution at nucleotide position 3238. The leucine at codon 1080 is replaced by phenylalanine, an amino acid with highly similar properties. This amino acid position is conserved. In addition, the in silico prediction for this alteration is inconclusive. Since supporting evidence is limited at this time, the clinical significance of this alteration remains unclear.